The following is an entry in ClinVar:

ClinVar aggregate classification (germline): Uncertain significance. Review status: criteria provided, multiple submitters, no conflicts (2 of 4 stars). 4 submissions from 4 submitters: Uncertain significance (3). 1 of the submissions does not count toward it. Last evaluated 2025-04-23.

Conditions:
Hereditary cancer-predisposing syndrome. Also called: Neoplastic Syndromes, Hereditary; Hereditary Cancer Syndrome; Tumor predisposition; Hereditary neoplastic syndrome. Identifiers: Orphanet 140162, MedGen C0027672, MeSH D009386, MONDO:0015356.
Ataxia-telangiectasia syndrome (AT). Also called: LOUIS-BAR SYNDROME; Cerebello-oculocutaneous telangiectasia; Immunodeficiency with ataxia telangiectasia; Ataxia-telangiectasia, complementation group D; AT, COMPLEMENTATION GROUP C; Ataxia-telangiectasia, complementation group E. Identifiers: Orphanet 100, MedGen C0004135, MONDO:0008840, OMIM 208900.

Allele frequency attached by ClinVar (database versions not stated): gnomAD exomes 0.00001 and 0.00002; ExAC 0.00001.
gnomAD v4.1: 16 of 1,600,798 alleles (0.001%); highest among the groups gnomAD compares: South Asian, 0.018%; no homozygotes.

Submissions (4):

Ambry Genetics
Classification: Uncertain significance for Hereditary cancer-predisposing syndrome. Last evaluated: 2025-04-23. Review status: criteria provided, single submitter. Criteria: Ambry Variant Classification Scheme 2023. Collection method: clinical testing. Allele origin: germline.
Comment: The p.K2643N variant (also known as c.7929A>T), located in coding exon 53 of the ATM gene, results from an A to T substitution at nucleotide position 7929. The lysine at codon 2643 is replaced by asparagine, an amino acid with similar properties. This amino acid position is conserved. In addition, this alteration is predicted to be tolerated by in silico analysis. Based on the available evidence, the clinical significance of this variant remains unclear.

Labcorp Genetics (formerly Invitae), Labcorp
Classification: Uncertain significance for Ataxia-telangiectasia syndrome. Last evaluated: 2024-09-24. Review status: criteria provided, single submitter. Criteria: Invitae Variant Classification Sherloc (09022015). Collection method: clinical testing. Allele origin: germline.
Comment: This sequence change replaces lysine, which is basic and polar, with asparagine, which is neutral and polar, at codon 2643 of the ATM protein (p.Lys2643Asn). This variant is present in population databases (rs780247224, gnomAD 0.01%). This variant has not been reported in the literature in individuals affected with ATM-related conditions. ClinVar contains an entry for this variant (Variation ID: 453710). An algorithm developed to predict the effect of missense changes on protein structure and function (PolyPhen-2) suggests that this variant¬†is likely to be tolerated. In summary, the available evidence is currently insufficient to determine the role of this variant in disease. Therefore, it has been classified as a Variant of Uncertain Significance.

Color Diagnostics, LLC DBA Color Health
Classification: Uncertain significance for Hereditary cancer-predisposing syndrome. Last evaluated: 2021-10-12. Review status: criteria provided, single submitter. Criteria: ACMG Guidelines, 2015. Collection method: clinical testing. Allele origin: germline.
Comment: This missense variant replaces lysine with asparagine at codon 2643 of the ATM protein. Computational prediction suggests that this variant may not impact protein structure and function (internally defined REVEL score threshold <= 0.5, PMID: 27666373). To our knowledge, functional studies have not been reported for this variant. This variant has not been reported in individuals affected with hereditary cancer in the literature. This variant has been identified in 4/251244 chromosomes in the general population by the Genome Aggregation Database (gnomAD). The available evidence is insufficient to determine the role of this variant in disease conclusively. Therefore, this variant is classified as a Variant of Uncertain Significance.

Natera, Inc.
Classification: Uncertain significance for Ataxia-telangiectasia. Last evaluated: 2019-10-28. Review status: no assertion criteria provided. Collection method: clinical testing. Allele origin: germline. Not counted in ClinVar's aggregate classification.

NM_000051.4(ATM):c.7929A>T (p.Lys2643Asn)

Genes: ATM (ATM serine/threonine kinase; plus strand), C11orf65 (chromosome 11 open reading frame 65; minus strand). Cytogenetic location: 11q22.3.
Variant type: single nucleotide variant.
Coding change: c.7929A>T on transcript NM_000051.4 (MANE Select); coding-DNA position 7929, A replaced by T.
Protein change: p.Lys2643Asn; replaces lysine 2643 with asparagine.
Molecular consequence: missense variant. On other transcripts: intron variant (2).
Genome position (GRCh38, 1-based): chr11:108,333,887, A>T. VCF-style: chr11-108333887-A-T. GRCh37 (hg19) VCF-style: chr11-108204614-A-T.
Other names: c.7929A>T, p.Lys2643Asn (NM_001351834.2); c.641-24816T>A (NM_001330368.2); c.*38+1333T>A (NM_001351110.2); short protein forms K2643N.
Identifiers: ClinVar variation 453710 (VCV000453710.22), dbSNP rs780247224, ClinGen allele CA6266228.